The following is an entry in ClinVar:

NM_145331.3(MAP3K7):c.1357G>C (p.Val453Leu)

Gene: MAP3K7 (mitogen-activated protein kinase kinase kinase 7; minus strand). Cytogenetic location: 6q15.
Variant type: single nucleotide variant.
Coding change: c.1357G>C on transcript NM_145331.3 (MANE Select); coding-DNA position 1357, G replaced by C.
Protein change: p.Val453Leu; replaces valine 453 with leucine.
Molecular consequence: missense variant.
Genome position (GRCh38, 1-based): chr6:90,523,783, C>G on the plus strand (G>C on the coding strand, the complement: MAP3K7 is on the minus strand). VCF-style: chr6-90523783-C-G. GRCh37 (hg19) VCF-style: chr6-91233502-C-G.
Other names: c.1276G>C, p.Val426Leu (NM_003188.4, NM_145333.3); c.1357G>C, p.Val453Leu (NM_145332.3); short protein forms V426L, V453L.
Identifiers: ClinVar variation 4702013 (VCV004702013.1).
Genomic context (GRCh38, chr6:90,523,783, plus strand): 5'-CTGAGGTTGGTCCTGAGGTAGTAATCATTCTGACACTGGGACTGGATGACCTACTGCTCA[C>G]CTACAGGAAGAAGTCACAGGAGAAACAAAATGTGATTTTTTGATTAAAAAAAATGACGAG-3'
Protein context (NP_663304.1, residues 443-463): LTVTGTEPGQ[Val453Leu]SSRSSSPSVR

ClinVar aggregate classification (germline): Uncertain significance (1 of 4 stars; one submission).

gnomAD v4.1: 1 of 1,553,980 alleles (0.000064%); highest among the groups gnomAD compares: Admixed American, 0.0017%; no homozygotes.

Submission:

Labcorp Genetics (formerly Invitae), Labcorp
Classification: Uncertain significance. Last evaluated: 2025-12-10. Review status: criteria provided, single submitter. Criteria: Invitae Variant Classification Sherloc (09022015). Collection method: clinical testing. Allele origin: germline.
Comment: This sequence change replaces valine, which is neutral and non-polar, with leucine, which is neutral and non-polar, at codon 453 of the MAP3K7 protein (p.Val453Leu). This variant is not present in population databases (gnomAD no frequency). This variant has not been reported in the literature in individuals affected with MAP3K7-related conditions. An algorithm developed to predict the effect of missense changes on protein structure and function (PolyPhen-2) suggests that this variant is likely to be tolerated. In summary, the available evidence is currently insufficient to determine the role of this variant in disease. Therefore, it has been classified as a Variant of Uncertain Significance.